The following is an entry in ClinVar:

NM_001013838.3(CARMIL2):c.3586C>T (p.Arg1196Trp)

Gene: CARMIL2 (capping protein regulator and myosin 1 linker 2; plus strand). Cytogenetic location: 16q22.1.
Variant type: single nucleotide variant.
Coding change: c.3586C>T on transcript NM_001013838.3 (MANE Select); coding-DNA position 3586, C replaced by T.
Protein change: p.Arg1196Trp; replaces arginine 1196 with tryptophan.
Molecular consequence: missense variant.
Genome position (GRCh38, 1-based): chr16:67,654,781, C>T. VCF-style: chr16-67654781-C-T. GRCh37 (hg19) VCF-style: chr16-67688684-C-T.
Other names: c.3478C>T, p.Arg1160Trp (NM_001317026.3); short protein forms R1160W, R1196W.
Identifiers: ClinVar variation 2155334 (VCV002155334.2), dbSNP rs200968420, ClinGen allele CA8114080.

ClinVar aggregate classification (germline): Uncertain significance (1 of 4 stars; one submission).

Allele frequency attached by ClinVar (database versions not stated): ExAC 0.00002; gnomAD exomes 0.00002; gnomAD 0.00005; TOPMed 0.00005; 1000 Genomes Project 30x 0.00016; 1000 Genomes Project 0.00020.

Submission:

Labcorp Genetics (formerly Invitae), Labcorp
Classification: Uncertain significance. Last evaluated: 2025-06-14. Review status: criteria provided, single submitter. Criteria: Invitae Variant Classification Sherloc (09022015). Collection method: clinical testing. Allele origin: germline.
Comment: This sequence change replaces arginine, which is basic and polar, with tryptophan, which is neutral and slightly polar, at codon 1196 of the CARMIL2 protein (p.Arg1196Trp). This variant is present in population databases (rs200968420, gnomAD 0.006%). This variant has not been reported in the literature in individuals affected with CARMIL2-related conditions. ClinVar contains an entry for this variant (Variation ID: 2155334). Invitae Evidence Modeling of protein sequence and biophysical properties (such as structural, functional, and spatial information, amino acid conservation, physicochemical variation, residue mobility, and thermodynamic stability) indicates that this missense variant is expected to disrupt CARMIL2 protein function with a positive predictive value of 80%. In summary, the available evidence is currently insufficient to determine the role of this variant in disease. Therefore, it has been classified as a Variant of Uncertain Significance.